The following is an entry in ClinVar:

NM_001701.4(BAAT):c.*1824C>T

Gene: BAAT (bile acid-CoA:amino acid N-acyltransferase; minus strand). Cytogenetic location: 9q31.1.
Variant type: single nucleotide variant.
Coding change: c.*1824C>T on transcript NM_001701.4 (MANE Select); 1824 bases downstream of the stop codon, C replaced by T.
Molecular consequence: 3 prime UTR variant.
Genome position (GRCh38, 1-based): chr9:101,360,604, G>A on the plus strand (C>T on the coding strand, the complement: BAAT is on the minus strand). VCF-style: chr9-101360604-G-A. GRCh37 (hg19) VCF-style: chr9-104122886-G-A.
Other names: c.*1824C>T (NM_001127610.2, NM_001374715.1).
Identifiers: ClinVar variation 364250 (VCV000364250.5), dbSNP rs534889362, ClinGen allele CA10628578.
Genomic context (GRCh38, chr9:101,360,604, plus strand): 5'-CGAGGAGGCATCTCACATGGCGAGAGAGGAGGCAAGAAAGAGTGTGAGGATGGGGAGGAG[G>A]TGCCACACACTTTTAAACAGTCATATCTCTTGAGAACTCACTCACTATCATACTCTCATG-3'

ClinVar aggregate classification (germline): Likely benign (1 of 4 stars; one submission).

Conditions:
Hypercholanemia, familial 1 (FHCA1). Identifiers: Orphanet 238475, MedGen C5542604, MONDO:0031446, OMIM 607748.

Allele frequency attached by ClinVar (database versions not stated): 1000 Genomes Project 0.00060; 1000 Genomes Project 30x 0.00062; TOPMed 0.00070; gnomAD 0.00075 and 0.00080.

Submission:

Illumina Laboratory Services, Illumina
Classification: Likely benign for Hypercholanemia, familial 1. Last evaluated: 2018-01-13. Review status: criteria provided, single submitter. Criteria: ICSL Variant Classification Criteria 13 December 2019. Collection method: clinical testing. Allele origin: germline.
Comment: This variant was observed in the ICSL laboratory as part of a predisposition screen in an ostensibly healthy population. It had not been previously curated by ICSL or reported in the Human Gene Mutation Database (HGMD: prior to June 1st, 2018), and was therefore a candidate for classification through an automated scoring system. Utilizing variant allele frequency, disease prevalence and penetrance estimates, and inheritance mode, an automated score was calculated to assess if this variant is too frequent to cause the disease. Based on the score and internal cut-off values, a variant classified as likely benign is not then subjected to further curation. The score for this variant resulted in a classification of likely benign for this disease.